The following is an entry in ClinVar:

NM_006261.5(PROP1):c.557C>T (p.Ala186Val)

Gene: PROP1 (PROP paired-like homeobox 1; minus strand). Cytogenetic location: 5q35.3.
Variant type: single nucleotide variant.
Coding change: c.557C>T on transcript NM_006261.5 (MANE Select); coding-DNA position 557, C replaced by T.
Protein change: p.Ala186Val; replaces alanine 186 with valine.
Molecular consequence: missense variant.
Genome position (GRCh38, 1-based): chr5:177,992,833, G>A on the plus strand (C>T on the coding strand, the complement: PROP1 is on the minus strand). VCF-style: chr5-177992833-G-A. GRCh37 (hg19) VCF-style: chr5-177419834-G-A.
Other names: short protein forms A186V.
Identifiers: ClinVar variation 2371376 (VCV002371376.5), dbSNP rs146547260, ClinGen allele CA3587502.

ClinVar aggregate classification (germline): Uncertain significance. Review status: criteria provided, multiple submitters, no conflicts (2 of 4 stars). 2 submissions from 2 submitters: Uncertain significance (2). Last evaluated 2026-09-24.

Conditions:
Inborn genetic diseases. Identifiers: MedGen C0950123, MeSH D030342.

Allele frequency attached by ClinVar (database versions not stated): ExAC 0.00017; gnomAD 0.00010; TOPMed 0.00014; gnomAD exomes 0.00011; ESP Exome Variant Server 0.00023.
gnomAD v4.1: 174 of 1,611,186 alleles (0.011%); highest among the groups gnomAD compares: Middle Eastern, 0.035%; 2 homozygotes.

Submissions (2):

GeneDx
Classification: Uncertain significance. Last evaluated: 2026-09-24. Review status: criteria provided, single submitter. Criteria: GeneDx Variant Classification Process June 2021. Collection method: clinical testing. Allele origin: germline.
Comment: In silico analysis indicates that this missense variant does not alter protein structure/function; Has not been previously published as pathogenic or benign to our knowledge

Ambry Genetics
Classification: Uncertain significance for Inborn genetic diseases. Last evaluated: 2024-08-28. Review status: criteria provided, single submitter. Criteria: Ambry Variant Classification Scheme 2023. Collection method: clinical testing. Allele origin: germline.